The following is an entry in ClinVar:

NM_000257.4(MYH7):c.1375G>C (p.Val459Leu)

Gene: MYH7 (myosin heavy chain 7; minus strand). Cytogenetic location: 14q11.2.
Variant type: single nucleotide variant.
Coding change: c.1375G>C on transcript NM_000257.4 (MANE Select); coding-DNA position 1375, G replaced by C.
Protein change: p.Val459Leu; replaces valine 459 with leucine.
Molecular consequence: missense variant.
Genome position (GRCh38, 1-based): chr14:23,428,987, C>G on the plus strand (G>C on the coding strand, the complement: MYH7 is on the minus strand). VCF-style: chr14-23428987-C-G. GRCh37 (hg19) VCF-style: chr14-23898196-C-G.
Other names: short protein forms V459L.
Identifiers: ClinVar variation 961527 (VCV000961527.9), dbSNP rs1892810348, ClinGen allele CA389050757.

ClinVar aggregate classification (germline): Likely pathogenic (1 of 4 stars; one submission).

Conditions:
Hypertrophic cardiomyopathy. Also called: HYPERTROPHIC MYOCARDIOPATHY. Identifiers: Orphanet 217569, MedGen C0007194, MeSH D002312, MONDO:0005045, HP:0001639.

Submission:

Labcorp Genetics (formerly Invitae), Labcorp
Classification: Likely pathogenic for Hypertrophic cardiomyopathy. Last evaluated: 2024-06-24. Review status: criteria provided, single submitter. Criteria: Invitae Variant Classification Sherloc (09022015). Collection method: clinical testing. Allele origin: germline.
Comment: This sequence change replaces valine, which is neutral and non-polar, with leucine, which is neutral and non-polar, at codon 459 of the MYH7 protein (p.Val459Leu). This variant is not present in population databases (gnomAD no frequency). This missense change has been observed in individuals with autosomal dominant MYH7-related conditions (Invitae). ClinVar contains an entry for this variant (Variation ID: 961527). Advanced modeling of protein sequence and biophysical properties (such as structural, functional, and spatial information, amino acid conservation, physicochemical variation, residue mobility, and thermodynamic stability) performed at Invitae indicates that this missense variant is expected to disrupt MYH7 protein function with a positive predictive value of 95%. In summary, the currently available evidence indicates that the variant is pathogenic, but additional data are needed to prove that conclusively. Therefore, this variant has been classified as Likely Pathogenic.